The following is an entry in ClinVar:

NM_030948.6(PHACTR1):c.1134T>C (p.Asn378=)

Gene: PHACTR1 (phosphatase and actin regulator 1; plus strand). Cytogenetic location: 6p24.1.
Variant type: single nucleotide variant.
Coding change: c.1134T>C on transcript NM_030948.6 (MANE Select); coding-DNA position 1134, T replaced by C.
Protein change: p.Asn378=; no amino-acid change (asparagine 378 retained).
Molecular consequence: synonymous variant.
Genome position (GRCh38, 1-based): chr6:13,227,963, T>C. VCF-style: chr6-13227963-T-C. GRCh37 (hg19) VCF-style: chr6-13228195-T-C.
Other names: c.1134T>C, p.Asn378= (NM_001242648.4, NM_001322308.3, NM_001322309.3 and 1 more transcripts); c.1341T>C, p.Asn447= (NM_001322310.2, NM_001374582.1); c.858T>C, p.Asn286= (NM_001322311.2, NM_001322312.3, NM_001374583.2); c.1065T>C, p.Asn355= (NM_001322313.2); c.1344T>C, p.Asn448= (NM_001322314.4).
Identifiers: ClinVar variation 4821562 (VCV004821562.5).

ClinVar aggregate classification (germline): Likely benign. Review status: criteria provided, multiple submitters, no conflicts (2 of 4 stars). 2 submissions from 2 submitters: Likely benign (2). Last evaluated 2026-03-01.

gnomAD v4.1: 157 of 1,613,754 alleles (0.0097%); highest among the groups gnomAD compares: Middle Eastern, 0.2%; no homozygotes.

Submissions (2):

CeGaT Center for Human Genetics Tuebingen
Classification: Likely benign. Last evaluated: 2026-03-01. Review status: criteria provided, single submitter. Criteria: CeGaT Center For Human Genetics Tuebingen Variant Classification Criteria Version 2. Collection method: clinical testing. Allele origin: germline. Affected: yes. Observed: 1 variant allele.
Comment: PHACTR1: BP4, BP7

Blueprint Genetics
Classification: Likely benign. Last evaluated: 2024-10-07. Review status: criteria provided, single submitter. Criteria: ACMG Guidelines, 2015. Collection method: clinical testing. Allele origin: germline.